The following is an entry in ClinVar:

NM_018389.5(SLC35C1):c.1021_1022del (p.Arg341fs)

Gene: SLC35C1 (solute carrier family 35 member C1; plus strand). Cytogenetic location: 11p11.2.
Variant type: Deletion.
Coding change: c.1021_1022del on transcript NM_018389.5 (MANE Select); coding-DNA positions 1021 to 1022, 2 bases deleted (AG; older notation c.1021_1022delAG).
Protein change: p.Arg341fs; shifts the reading frame from arginine 341.
Molecular consequence: frameshift variant.
Genome position (GRCh38, 1-based): chr11:45,811,261-45,811,262, AG deleted. VCF-style (leftmost placement, unchanged base first): chr11-45811260-CAG-C. GRCh37 (hg19) VCF-style: chr11-45832811-CAG-C.
Other names: c.982_983del, p.Arg328fs (NM_001145265.2); c.982_983delAG, p.Arg328Glyfs (NM_001145266.2); short protein forms R328fs, R341fs.
Identifiers: ClinVar variation 2498512 (VCV002498512.28), dbSNP rs1157524648, ClinGen allele CA676893107.

ClinVar aggregate classification (germline): Uncertain significance (1 of 4 stars; one submission).

Allele frequency attached by ClinVar (database versions not stated): gnomAD exomes below 0.00001; TOPMed below 0.00001.

Submission:

CeGaT Center for Human Genetics Tuebingen
Classification: Uncertain significance. Last evaluated: 2023-03-01. Review status: criteria provided, single submitter. Criteria: CeGaT Center For Human Genetics Tuebingen Variant Classification Criteria Version 2. Collection method: clinical testing. Allele origin: germline. Affected: yes. Observed: 1 variant allele.
Comment: SLC35C1: PM2, PVS1:Moderate, PP4